The following is an entry in ClinVar:

ClinVar aggregate classification (germline): Benign/Likely benign. Review status: criteria provided, multiple submitters, no conflicts (2 of 4 stars). 12 submissions from 11 submitters: Benign (6); Likely benign (6). Last evaluated 2026-02-01.

Conditions:
RYR1-related disorder. Also called: RYR1-related disorders; RYR1-related condition. Identifiers: MedGen CN239331.
Congenital multicore myopathy with external ophthalmoplegia (CMYO1B). Also called: MULTIMINICORE DISEASE WITH EXTERNAL OPHTHALMOPLEGIA; MULTICORE MYOPATHY; Minicore myopathy with external ophthalmoplegia; Congenital myopathy 1B, autosomal recessive; Minicore myopathy. Identifiers: Orphanet 598, Orphanet 98905, MedGen C1850674, MONDO:0009712, OMIM 255320, HP:0003789.
Malignant hyperthermia, susceptibility to, 1 (MHS1). Also called: Anesthesia related hyperthermia; Malignant hyperpyrexia; Fulminating hyperpyrexia; Pharmacogenic myopathy; RYR1-Related Malignant Hyperthermia Susceptibility; Malignant hyperthermia suceptibility 1. Identifiers: Orphanet 423, MedGen C2930980, MONDO:0007783, OMIM 145600.

Allele frequency attached by ClinVar (database versions not stated): gnomAD exomes 0.00025 and 0.00065; ExAC 0.00073; gnomAD 0.00213 and 0.00227; TOPMed 0.00249; ESP Exome Variant Server 0.00254; 1000 Genomes Project 30x 0.00344; 1000 Genomes Project 0.00379.
gnomAD v4.1: 725 of 1,613,618 alleles (0.045%); highest among the groups gnomAD compares: African/African-American, 0.71%; 2 homozygotes.

Submissions (12):

CeGaT Center for Human Genetics Tuebingen
Classification: Likely benign. Last evaluated: 2026-02-01. Review status: criteria provided, single submitter. Criteria: CeGaT Center For Human Genetics Tuebingen Variant Classification Criteria Version 2. Collection method: clinical testing. Allele origin: germline. Affected: yes. Observed: 4 variant alleles.
Comment: RYR1: BP4, BP7

Labcorp Genetics (formerly Invitae), Labcorp
Classification: Benign for RYR1-related disorder. Last evaluated: 2026-01-27. Review status: criteria provided, single submitter. Criteria: Invitae Variant Classification Sherloc (09022015). Collection method: clinical testing. Allele origin: germline.

Blueprint Genetics
Classification: Likely benign. Last evaluated: 2024-11-05. Review status: criteria provided, single submitter. Criteria: ACMG Guidelines, 2015. Collection method: clinical testing. Allele origin: germline.

All of Us Research Program, National Institutes of Health
Classification: Benign for Malignant hyperthermia, susceptibility to, 1. Last evaluated: 2024-02-05. Review status: criteria provided, single submitter. Criteria: ACMG Guidelines, 2015. Collection method: clinical testing. Allele origin: germline. Inheritance: Autosomal dominant inheritance. Observed: 157 variant alleles, 156 heterozygotes, 1 homozygote.
Comment: This study involves interpretation of variants in research participants for the purpose of population health screening. Participant phenotype was not available at the time of variant classification. Additional details can be found in publication PMID: 35346344, PMCID: PMC8962531

Color Diagnostics, LLC DBA Color Health
Classification: Benign for Malignant hyperthermia, susceptibility to, 1. Last evaluated: 2022-10-20. Review status: criteria provided, single submitter. Criteria: ACMG Guidelines, 2015. Collection method: clinical testing. Allele origin: germline.

GeneDx
Classification: Likely benign. Last evaluated: 2021-02-19. Review status: criteria provided, single submitter. Criteria: GeneDx Variant Classification Process June 2021. Collection method: clinical testing. Allele origin: germline. Affected: yes.

Athena Diagnostics
Classification: Benign. Last evaluated: 2018-12-27. Review status: criteria provided, single submitter. Criteria: Athena Diagnostics Criteria. Collection method: clinical testing. Allele origin: germline.

Illumina Laboratory Services, Illumina
Classification: Likely benign for Malignant hyperthermia, susceptibility to, 1. Last evaluated: 2018-01-12. Review status: criteria provided, single submitter. Criteria: ICSL Variant Classification Criteria 13 December 2019. Collection method: clinical testing. Allele origin: germline.
Comment: This variant was observed in the ICSL laboratory as part of a predisposition screen in an ostensibly healthy population. It had not been previously curated by ICSL or reported in the Human Gene Mutation Database (HGMD: prior to June 1st, 2018), and was therefore a candidate for classification through an automated scoring system. Utilizing variant allele frequency, disease prevalence and penetrance estimates, and inheritance mode, an automated score was calculated to assess if this variant is too frequent to cause the disease. Based on the score and internal cut-off values, a variant classified as likely benign is not then subjected to further curation. The score for this variant resulted in a classification of likely benign for this disease.

Illumina Laboratory Services, Illumina
Classification: Likely benign for Congenital multicore myopathy with external ophthalmoplegia. Last evaluated: 2018-01-12. Review status: criteria provided, single submitter. Criteria: ICSL Variant Classification Criteria 13 December 2019. Collection method: clinical testing. Allele origin: germline.
Comment: the same text as in the submission from Illumina Laboratory Services, Illumina above.

PreventionGenetics, part of Exact Sciences
Classification: Benign. Last evaluated: 2017-07-25. Review status: criteria provided, single submitter. Criteria: ACMG Guidelines, 2015. Collection method: clinical testing. Allele origin: germline.

Eurofins Ntd Llc (ga)
Classification: Benign. Last evaluated: 2016-09-22. Review status: criteria provided, single submitter. Criteria: EGL Classification Definitions 2015. Collection method: clinical testing. Allele origin: germline. Observed: 1 variant allele, 1 heterozygote.

Genetic Services Laboratory, University of Chicago
Classification: Likely benign. Last evaluated: 2015-08-24. Review status: criteria provided, single submitter. Criteria: ACMG Guidelines, 2015. Collection method: clinical testing. Allele origin: germline. Affected: no.

NM_000540.3(RYR1):c.216G>T (p.Leu72=)

Gene: RYR1 (ryanodine receptor 1; plus strand). Cytogenetic location: 19q13.2.
Variant type: single nucleotide variant.
Coding change: c.216G>T on transcript NM_000540.3 (MANE Select); coding-DNA position 216, G replaced by T.
Protein change: p.Leu72=; no amino-acid change (leucine 72 retained).
Molecular consequence: synonymous variant.
Genome position (GRCh38, 1-based): chr19:38,442,399, G>T. VCF-style: chr19-38442399-G-T. GRCh37 (hg19) VCF-style: chr19-38933039-G-T.
Other names: c.216G>T, p.Leu72= (NM_001042723.2).
Identifiers: ClinVar variation 256470 (VCV000256470.68), dbSNP rs113389877, ClinGen allele CA062970.